The following is an entry in ClinVar:

NM_000379.4(XDH):c.724C>G (p.Leu242Val)

Gene: XDH (xanthine dehydrogenase; minus strand). Cytogenetic location: 2p23.1.
Variant type: single nucleotide variant.
Coding change: c.724C>G on transcript NM_000379.4 (MANE Select); coding-DNA position 724, C replaced by G.
Protein change: p.Leu242Val; replaces leucine 242 with valine.
Molecular consequence: missense variant.
Genome position (GRCh38, 1-based): chr2:31,386,483, G>C on the plus strand (C>G on the coding strand, the complement: XDH is on the minus strand). VCF-style: chr2-31386483-G-C. GRCh37 (hg19) VCF-style: chr2-31609349-G-C.
Other names: short protein forms L242V.
Identifiers: ClinVar variation 1400331 (VCV001400331.5), dbSNP rs773771252, ClinGen allele CA346496614.

ClinVar aggregate classification (germline): Uncertain significance (1 of 4 stars; one submission).

Conditions:
Xanthinuria type II. Also called: Xanthine dehydrogenase and aldehyde oxidase combined deficiency of; XDH and AOX dual deficiency. Identifiers: Orphanet 3467, Orphanet 93602, MedGen C1863688, MONDO:0011346, OMIM 603592.

Allele frequency attached by ClinVar (database versions not stated): gnomAD 0.00001; gnomAD exomes 0.00001; TOPMed 0.00001.
gnomAD v4.1: 14 of 1,614,016 alleles (0.00087%); highest among the groups gnomAD compares: Admixed American, 0.0017%; no homozygotes.

Submission:

Labcorp Genetics (formerly Invitae), Labcorp
Classification: Uncertain significance for Xanthinuria type II. Last evaluated: 2021-11-29. Review status: criteria provided, single submitter. Criteria: Invitae Variant Classification Sherloc (09022015). Collection method: clinical testing. Allele origin: germline.
Comment: This sequence change replaces leucine, which is neutral and non-polar, with valine, which is neutral and non-polar, at codon 242 of the XDH protein (p.Leu242Val). This variant is present in population databases (no rsID available, gnomAD 0.003%). This variant has not been reported in the literature in individuals affected with XDH-related conditions. Algorithms developed to predict the effect of missense changes on protein structure and function are either unavailable or do not agree on the potential impact of this missense change (SIFT: "Deleterious"; PolyPhen-2: "Possibly Damaging"; Align-GVGD: "Class C0"). In summary, the available evidence is currently insufficient to determine the role of this variant in disease. Therefore, it has been classified as a Variant of Uncertain Significance.